The following is an entry in ClinVar:

NM_017617.5(NOTCH1):c.4952C>T (p.Ser1651Leu)

Gene: NOTCH1 (notch receptor 1; minus strand). Cytogenetic location: 9q34.3.
Variant type: single nucleotide variant.
Coding change: c.4952C>T on transcript NM_017617.5 (MANE Select); coding-DNA position 4952, C replaced by T.
Protein change: p.Ser1651Leu; replaces serine 1651 with leucine.
Molecular consequence: missense variant.
Genome position (GRCh38, 1-based): chr9:136,504,739, G>A on the plus strand (C>T on the coding strand, the complement: NOTCH1 is on the minus strand). VCF-style: chr9-136504739-G-A. GRCh37 (hg19) VCF-style: chr9-139399191-G-A.
Other names: c.4952C>T, p.Ser1651Leu (LRG_1122t1); short protein forms S1651L.
Identifiers: ClinVar variation 626868 (VCV000626868.11), dbSNP rs1243453790, ClinGen allele CA375644257.

ClinVar aggregate classification (germline): Uncertain significance. Review status: criteria provided, multiple submitters, no conflicts (2 of 4 stars). 4 submissions from 3 submitters: Uncertain significance (4). Last evaluated 2022-03-15.

Conditions:
Adams-Oliver syndrome 5 (AOS5). Identifiers: Orphanet 974, MedGen C4014970, MONDO:0014459, OMIM 616028.
Aortic valve disease 1 (AOVD1). Identifiers: MedGen C3887892, MONDO:0024523, OMIM 109730.
Familial thoracic aortic aneurysm and aortic dissection (TAAD). Also called: Thoracic aortic aneurysms and dissections. Identifiers: Orphanet 91387, MedGen C4707243, MONDO:0019625.

Allele frequency attached by ClinVar (database versions not stated): gnomAD exomes 0.00001; TOPMed 0.00002.
gnomAD v4.1: 8 of 1,545,038 alleles (0.00052%); highest among the groups gnomAD compares: Non-Finnish European, 0.0007%; no homozygotes.

Submissions (4):

Genome-Nilou Lab
Classification: Uncertain significance for Adams-Oliver syndrome 5. Last evaluated: 2022-03-15. Review status: criteria provided, single submitter. Criteria: ACMG Guidelines, 2015. Collection method: clinical testing. Allele origin: germline. Affected: no.

Genome-Nilou Lab
Classification: Uncertain significance for Aortic valve disease 1. Last evaluated: 2022-03-15. Review status: criteria provided, single submitter. Criteria: ACMG Guidelines, 2015. Collection method: clinical testing. Allele origin: germline. Affected: no.

Labcorp Genetics (formerly Invitae), Labcorp
Classification: Uncertain significance for Adams-Oliver syndrome 5. Last evaluated: 2018-11-30. Review status: criteria provided, single submitter. Criteria: Invitae Variant Classification Sherloc (09022015). Collection method: clinical testing. Allele origin: germline.
Comment: This variant has not been reported in the literature in individuals with NOTCH1-related conditions. This sequence change replaces serine with leucine at codon 1651 of the NOTCH1 protein (p.Ser1651Leu). The serine residue is highly conserved and there is a large physicochemical difference between serine and leucine. The frequency data for this variant in the population databases is considered unreliable, as metrics indicate insufficient coverage at this position in the ExAC database. Algorithms developed to predict the effect of missense changes on protein structure and function are either unavailable or do not agree on the potential impact of this missense change (SIFT: "Deleterious"; PolyPhen-2: "Benign"; Align-GVGD: "Class C15"). In summary, the available evidence is currently insufficient to determine the role of this variant in disease. Therefore, it has been classified as a Variant of Uncertain Significance.

CHEO Genetics Diagnostic Laboratory, Children's Hospital of Eastern Ontario
Classification: Uncertain significance for Familial thoracic aortic aneurysm and aortic dissection. Last evaluated: 2016-03-16. Review status: criteria provided, single submitter. Criteria: ACMG Guidelines, 2015. Collection method: clinical testing. Allele origin: germline. Study: Canadian Open Genetics Repository.